The following is an entry in ClinVar:

NM_002303.6(LEPR):c.3490_3494del (p.Thr1164fs)

Gene: LEPR (leptin receptor; plus strand). Cytogenetic location: 1p31.3.
Variant type: Deletion.
Coding change: c.3490_3494del on transcript NM_002303.6 (MANE Select); coding-DNA positions 3490 to 3494, 5 bases deleted (ACTGT; older notation c.3490_3494delACTGT).
Protein change: p.Thr1164fs; shifts the reading frame from threonine 1164.
Molecular consequence: frameshift variant.
Genome position (GRCh38, 1-based): chr1:65,637,007-65,637,011, ACTGT deleted. VCF-style (leftmost placement, unchanged base first): chr1-65637006-AACTGT-A. GRCh37 (hg19) VCF-style: chr1-66102689-AACTGT-A.
Other names: c.3490_3494del5 (NM_002303.5); short protein forms T1164fs.
Identifiers: ClinVar variation 3354657 (VCV003354657.1).

ClinVar aggregate classification (germline): Uncertain significance (0 of 4 stars; one submission).

Conditions:
LEPR-related disorder. Also called: LEPR-related condition; LEPR-related disorders.

Submission:

PreventionGenetics, part of Exact Sciences
Classification: Uncertain significance for LEPR-related condition. Last evaluated: 2024-05-16. Review status: no assertion criteria provided. Collection method: clinical testing. Allele origin: germline.
Comment: The LEPR c.3490_3494del5 variant is predicted to result in a frameshift and premature protein termination (p.Thr1164Valfs*15). To our knowledge, this variant has not been reported in the literature. This variant is reported in 0.0082% of alleles in individuals of African descent in gnomAD. This variant resides in the final exon of this gene and it is unclear if the resulting mRNA would undergo nonsense mediated decay. Although we suspect that this variant may be pathogenic, at this time, the clinical significance of this variant is uncertain due to the absence of conclusive functional and genetic evidence.